The following is an entry in ClinVar:

NM_001844.5(COL2A1):c.2804G>A (p.Ser935Asn)

Gene: COL2A1 (collagen type II alpha 1 chain; minus strand). Cytogenetic location: 12q13.11.
Variant type: single nucleotide variant.
Coding change: c.2804G>A on transcript NM_001844.5 (MANE Select); coding-DNA position 2804, G replaced by A.
Protein change: p.Ser935Asn; replaces serine 935 with asparagine.
Molecular consequence: missense variant.
Genome position (GRCh38, 1-based): chr12:47,978,688, C>T on the plus strand (G>A on the coding strand, the complement: COL2A1 is on the minus strand). VCF-style: chr12-47978688-C-T. GRCh37 (hg19) VCF-style: chr12-48372471-C-T.
Other names: c.2597G>A, p.Ser866Asn (NM_033150.3); short protein forms S866N, S935N.
Identifiers: ClinVar variation 1997429 (VCV001997429.4), dbSNP rs2540113504, ClinGen allele CA384542243.

ClinVar aggregate classification (germline): Uncertain significance (1 of 4 stars; one submission).

Allele frequency attached by ClinVar (database versions not stated): gnomAD exomes below 0.00001.
gnomAD v4.1: 1 of 1,613,320 alleles (0.000062%); highest among the groups gnomAD compares: Non-Finnish European, 0.000085%; no homozygotes.

Submission:

Labcorp Genetics (formerly Invitae), Labcorp
Classification: Uncertain significance. Last evaluated: 2022-05-21. Review status: criteria provided, single submitter. Criteria: Invitae Variant Classification Sherloc (09022015). Collection method: clinical testing. Allele origin: germline.
Comment: In summary, the available evidence is currently insufficient to determine the role of this variant in disease. Therefore, it has been classified as a Variant of Uncertain Significance. Advanced modeling of protein sequence and biophysical properties (such as structural, functional, and spatial information, amino acid conservation, physicochemical variation, residue mobility, and thermodynamic stability) performed at Invitae indicates that this missense variant is not expected to disrupt COL2A1 protein function. This variant has not been reported in the literature in individuals affected with COL2A1-related conditions. This variant is not present in population databases (gnomAD no frequency). This sequence change replaces serine, which is neutral and polar, with asparagine, which is neutral and polar, at codon 935 of the COL2A1 protein (p.Ser935Asn).